The following is an entry in ClinVar:

ClinVar aggregate classification (germline): Uncertain significance (1 of 4 stars; one submission).

Submission:

GeneDx
Classification: Uncertain significance. Last evaluated: 2022-11-29. Review status: criteria provided, single submitter. Criteria: GeneDx Variant Classification Process June 2021. Collection method: clinical testing. Allele origin: germline. Affected: yes.
Comment: Not observed at significant frequency in large population cohorts (gnomAD); In silico analysis supports that this missense variant has a deleterious effect on protein structure/function; Has not been previously published as pathogenic or benign to our knowledge

NM_001145860.2(POP1):c.2646C>G (p.Asp882Glu)

Gene: POP1 (POP1 homolog, ribonuclease P/MRP subunit; plus strand). Cytogenetic location: 8q22.2.
Variant type: single nucleotide variant.
Coding change: c.2646C>G on transcript NM_001145860.2 (MANE Select); coding-DNA position 2646, C replaced by G.
Protein change: p.Asp882Glu; replaces aspartic acid 882 with glutamic acid.
Molecular consequence: missense variant.
Genome position (GRCh38, 1-based): chr8:98,157,842, C>G. VCF-style: chr8-98157842-C-G. GRCh37 (hg19) VCF-style: chr8-99170070-C-G.
Other names: c.2646C>G, p.Asp882Glu (NM_001145861.2, NM_015029.3); short protein forms D882E.
Identifiers: ClinVar variation 2504512 (VCV002504512.1), dbSNP rs2488103477, ClinGen allele CA371775979.